The following is an entry in ClinVar:

ClinVar aggregate classification (germline): Uncertain significance. Review status: criteria provided, multiple submitters, no conflicts (2 of 4 stars). 2 submissions from 2 submitters: Uncertain significance (2). Last evaluated 2025-05-20.

Conditions:
Hereditary cancer-predisposing syndrome. Also called: Neoplastic Syndromes, Hereditary; Hereditary Cancer Syndrome; Hereditary neoplastic syndrome; Tumor predisposition. Identifiers: Orphanet 140162, MedGen C0027672, MeSH D009386, MONDO:0015356.
Hereditary breast ovarian cancer syndrome. Also called: BRCA1- and BRCA2-Associated Hereditary Breast and Ovarian Cancer; Hereditary breast and ovarian cancer syndrome; Hereditary breast and ovarian cancer; Hereditary breast and ovarian cancer syndrome (HBOC); Breast and ovarian cancer; Hereditary breast and/or ovarian cancer syndrome. Identifiers: Orphanet 145, MedGen C0677776, MeSH D061325, MONDO:0003582. Disease mechanism: loss of function.

Submissions (2):

Color Diagnostics, LLC DBA Color Health
Classification: Uncertain significance for Hereditary cancer-predisposing syndrome. Last evaluated: 2025-05-20. Review status: criteria provided, single submitter. Criteria: ACMG Guidelines, 2015. Collection method: clinical testing. Allele origin: germline.
Comment: This missense variant replaces phenylalanine with cysteine at codon 3057 of the BRCA2 protein. Computational prediction suggests that this variant may have deleterious impact on protein structure and function. Functional studies have reported conflicting findings for this variant in which this variant was found to impact BRCA2 function in cisplatin and PARP inhibitor sensitivity assays (PMID: 39779848) and no impact in a haploid cell proliferation assay (PMID: 39779857). This variant has not been reported in individuals affected with BRCA2-related disorders in the literature. This variant has not been identified in the general population by the Genome Aggregation Database (gnomAD). The available evidence is insufficient to determine the role of this variant in disease conclusively. Therefore, this variant is classified as a Variant of Uncertain Significance.

Labcorp Genetics (formerly Invitae), Labcorp
Classification: Uncertain significance for Hereditary breast ovarian cancer syndrome. Last evaluated: 2021-01-11. Review status: criteria provided, single submitter. Criteria: Invitae Variant Classification Sherloc (09022015). Collection method: clinical testing. Allele origin: germline.
Comment: This variant is not present in population databases (ExAC no frequency). This variant has not been reported in the literature in individuals with BRCA2-related conditions. Advanced modeling of protein sequence and biophysical properties (such as structural, functional, and spatial information, amino acid conservation, physicochemical variation, residue mobility, and thermodynamic stability) performed at Invitae indicates that this missense variant is not expected to disrupt BRCA2 protein function. In summary, the available evidence is currently insufficient to determine the role of this variant in disease. Therefore, it has been classified as a Variant of Uncertain Significance. This sequence change replaces phenylalanine with cysteine at codon 3057 of the BRCA2 protein (p.Phe3057Cys). The phenylalanine residue is highly conserved and there is a large physicochemical difference between phenylalanine and cysteine.

Literature cited by the submitters: PubMed 39779848 (cited by Color Diagnostics, LLC DBA Color Health); PubMed 39779857 (cited by Color Diagnostics, LLC DBA Color Health).

NM_000059.4(BRCA2):c.9170T>G (p.Phe3057Cys)

Gene: BRCA2 (BRCA2 DNA repair associated; plus strand). Cytogenetic location: 13q13.1.
Variant type: single nucleotide variant.
Coding change: c.9170T>G on transcript NM_000059.4 (MANE Select); coding-DNA position 9170, T replaced by G.
Protein change: p.Phe3057Cys; replaces phenylalanine 3057 with cysteine.
Molecular consequence: missense variant.
Genome position (GRCh38, 1-based): chr13:32,380,059, T>G. VCF-style: chr13-32380059-T-G. GRCh37 (hg19) VCF-style: chr13-32954196-T-G.
Other names: short protein forms F3057C.
Identifiers: ClinVar variation 1435566 (VCV001435566.8), dbSNP rs2137625003, ClinGen allele CA387757999.